The following is an entry in ClinVar:

ClinVar aggregate classification (germline): Pathogenic (1 of 4 stars; one submission).

Conditions:
Hereditary hemorrhagic telangiectasia (HHT). Also called: ORW DISEASE; Osler Weber Rendu syndrome; OSLER-RENDU-WEBER DISEASE; Osler hemorrhagic telangiectasia syndrome. Identifiers: Orphanet 774, MedGen C0039445, MONDO:0019180. Disease mechanism: loss of function.

Submission:

Labcorp Genetics (formerly Invitae), Labcorp
Classification: Pathogenic for Hereditary hemorrhagic telangiectasia. Last evaluated: 2018-04-26. Review status: criteria provided, single submitter. Criteria: Invitae Variant Classification Sherloc (09022015). Collection method: clinical testing. Allele origin: germline.
Comment: This sequence change creates a premature translational stop signal (p.Gly191Alafs*31) in the ENG gene. It is expected to result in an absent or disrupted protein product. This variant has not been reported in the literature in individuals with ENG-related disease. This variant is not present in population databases (ExAC no frequency). For these reasons, this variant has been classified as Pathogenic. Loss-of-function variants in ENG are known to be pathogenic (PMID: 15879500, 20656886, 22385575).

Literature cited by the submitters: PubMed 15879500; PubMed 20656886; PubMed 22385575.

NM_001114753.3(ENG):c.572del (p.Gly191fs)

Gene: ENG (endoglin; minus strand). Cytogenetic location: 9q34.11.
Variant type: Deletion.
Coding change: c.572del on transcript NM_001114753.3 (MANE Select); coding-DNA position 572, one base deleted (G; older notation c.572delG).
Protein change: p.Gly191fs; shifts the reading frame from glycine 191.
Molecular consequence: frameshift variant.
Genome position (GRCh38, 1-based): chr9:127,825,812, C deleted on the plus strand (G on the coding strand, the reverse complement: ENG is on the minus strand); the first of 3 consecutive C bases (chr9:127,825,812-127,825,814); deleting any one gives the same sequence. VCF-style (leftmost placement, unchanged base first): chr9-127825811-GC-G. GRCh37 (hg19) VCF-style: chr9-130588090-GC-G.
Other names: c.572delG (NM_000118.3); c.570delG, p.Gly191Alafs (NM_000118.4, NM_001406715.1); c.26del, p.Gly9fs (NM_001278138.2); short protein forms G9fs, G191fs.
Identifiers: ClinVar variation 583087 (VCV000583087.9), dbSNP rs1564456374, ClinGen allele CA891842559.